The following is an entry in ClinVar:

ClinVar aggregate classification (germline): Likely benign. Review status: criteria provided, multiple submitters, no conflicts (2 of 4 stars). 4 submissions from 4 submitters: Likely benign (4). Last evaluated 2025-09-16.

Conditions:
Cardiovascular phenotype. Identifiers: MedGen CN230736.
Dilated cardiomyopathy 1II (CMD1II). Identifiers: Orphanet 154, MedGen C3554649, MONDO:0014073, OMIM 615184.

Allele frequency attached by ClinVar (database versions not stated): gnomAD exomes below 0.00001 and 0.00001; gnomAD 0.00001; TOPMed 0.00003.
gnomAD v4.1: 8 of 1,614,056 alleles (0.0005%); highest among the groups gnomAD compares: African/African-American, 0.004%; no homozygotes.

Submissions (4):

Labcorp Genetics (formerly Invitae), Labcorp
Classification: Likely benign for Dilated cardiomyopathy 1II. Last evaluated: 2025-09-16. Review status: criteria provided, single submitter. Criteria: Invitae Variant Classification Sherloc (09022015). Collection method: clinical testing. Allele origin: germline.

CeGaT Center for Human Genetics Tuebingen
Classification: Likely benign. Last evaluated: 2024-10-01. Review status: criteria provided, single submitter. Criteria: CeGaT Center For Human Genetics Tuebingen Variant Classification Criteria Version 2. Collection method: clinical testing. Allele origin: germline. Affected: yes. Observed: 1 variant allele.
Comment: CRYAB: BP4, BP7

Ambry Genetics
Classification: Likely benign for Cardiovascular phenotype. Last evaluated: 2021-12-20. Review status: criteria provided, single submitter. Criteria: Ambry Variant Classification Scheme 2023. Collection method: clinical testing. Allele origin: germline.

GeneDx
Classification: Likely benign. Last evaluated: 2020-01-29. Review status: criteria provided, single submitter. Criteria: GeneDx Variant Classification Process June 2021. Collection method: clinical testing. Allele origin: germline. Affected: yes.

NM_001289808.2(CRYAB):c.333T>C (p.His111=)

Gene: CRYAB (crystallin alpha B; minus strand). Cytogenetic location: 11q23.1.
Variant type: single nucleotide variant.
Coding change: c.333T>C on transcript NM_001289808.2 (MANE Select); coding-DNA position 333, T replaced by C.
Protein change: p.His111=; no amino-acid change (histidine 111 retained).
Molecular consequence: synonymous variant.
Genome position (GRCh38, 1-based): chr11:111,908,959, A>G on the plus strand (T>C on the coding strand, the complement: CRYAB is on the minus strand). VCF-style: chr11-111908959-A-G. GRCh37 (hg19) VCF-style: chr11-111779683-A-G.
Other names: c.333T>C, p.His111= (NM_001289807.1, NM_001368245.1, NM_001885.3); c.132T>C, p.His44= (NM_001330379.1, NM_001368246.1).
Identifiers: ClinVar variation 1106671 (VCV001106671.26), dbSNP rs982609751, ClinGen allele CA228543744.